The following is an entry in ClinVar:

NM_000478.6(ALPL):c.534C>G (p.Tyr178Ter)

Gene: ALPL (alkaline phosphatase, biomineralization associated; plus strand). Cytogenetic location: 1p36.12.
Variant type: single nucleotide variant.
Coding change: c.534C>G on transcript NM_000478.6 (MANE Select); coding-DNA position 534, C replaced by G.
Protein change: p.Tyr178Ter; replaces tyrosine 178 with a stop codon.
Molecular consequence: nonsense.
Genome position (GRCh38, 1-based): chr1:21,564,102, C>G. VCF-style: chr1-21564102-C-G. GRCh37 (hg19) VCF-style: chr1-21890595-C-G.
Other names: c.369C>G, p.Tyr123Ter (NM_001127501.4); c.303C>G, p.Tyr101Ter (NM_001177520.3); c.534C>G, p.Tyr178Ter (NM_001369803.2, NM_001369804.2, NM_001369805.2); short protein forms Y101*, Y123*, Y178*.
Identifiers: ClinVar variation 2676497 (VCV002676497.4), dbSNP rs201250289, ClinGen allele CA666524.

ClinVar aggregate classification (germline): Pathogenic/Likely pathogenic. Review status: criteria provided, multiple submitters, no conflicts (2 of 4 stars). 2 submissions from 2 submitters: Pathogenic (1); Likely pathogenic (1). Last evaluated 2023-09-21.

Conditions:
Adult hypophosphatasia. Identifiers: Orphanet 247676, Orphanet 436, MedGen C0268413, MONDO:1010154, OMIM 146300, MONDO:0007798.

gnomAD v4.1: 1 of 1,613,962 alleles (0.000062%); highest among the groups gnomAD compares: African/African-American, 0.0013%; no homozygotes.

Submissions (2):

Baylor Genetics
Classification: Likely pathogenic for Adult hypophosphatasia. Last evaluated: 2023-09-21. Review status: criteria provided, single submitter. Criteria: ACMG Guidelines, 2015. Collection method: clinical testing. Allele origin: unknown.

Labcorp Genetics (formerly Invitae), Labcorp
Classification: Pathogenic. Last evaluated: 2023-05-26. Review status: criteria provided, single submitter. Criteria: Invitae Variant Classification Sherloc (09022015). Collection method: clinical testing. Allele origin: germline.
Comment: This sequence change creates a premature translational stop signal (p.Tyr178*) in the ALPL gene. It is expected to result in an absent or disrupted protein product. Loss-of-function variants in ALPL are known to be pathogenic (PMID: 3174660, 10679946, 32973344, 33814268). This variant is present in population databases (rs201250289, gnomAD 0.008%). This variant has not been reported in the literature in individuals affected with ALPL-related conditions. Algorithms developed to predict the effect of sequence changes on RNA splicing suggest that this variant may create or strengthen a splice site. For these reasons, this variant has been classified as Pathogenic.

Literature cited by the submitters: PubMed 3174660 (cited by Labcorp Genetics (formerly Invitae), Labcorp); PubMed 10679946 (cited by Labcorp Genetics (formerly Invitae), Labcorp); PubMed 32973344 (cited by Labcorp Genetics (formerly Invitae), Labcorp); PubMed 33814268 (cited by Labcorp Genetics (formerly Invitae), Labcorp).